The following is an entry in ClinVar:

ClinVar aggregate classification (germline): Uncertain significance (1 of 4 stars; one submission).

Conditions:
Familial hypocalciuric hypercalcemia (FHH). Also called: Familial benign hypercalcemia. Identifiers: Orphanet 405, MedGen C1809471, MONDO:0018458.
Autosomal dominant hypocalcemia 1 (HYPOC1). Also called: HYPOCALCEMIA, FAMILIAL. Identifiers: MedGen C3715128, MONDO:0011013, OMIM 601198.

Submission:

Labcorp Genetics (formerly Invitae), Labcorp
Classification: Uncertain significance for Familial hypocalciuric hypercalcemia; Autosomal dominant hypocalcemia 1. Last evaluated: 2024-04-22. Review status: criteria provided, single submitter. Criteria: Invitae Variant Classification Sherloc (09022015). Collection method: clinical testing. Allele origin: germline.
Comment: This variant, c.2737_2739dup, results in the insertion of 1 amino acid(s) of the CASR protein (p.Ser913dup), but otherwise preserves the integrity of the reading frame. This variant is not present in population databases (gnomAD no frequency). This variant has not been reported in the literature in individuals affected with CASR-related conditions. In summary, the available evidence is currently insufficient to determine the role of this variant in disease. Therefore, it has been classified as a Variant of Uncertain Significance.

NM_000388.4(CASR):c.2731TCC[4] (p.Ser913_Ile914insSer)

Gene: CASR (calcium sensing receptor; plus strand). Cytogenetic location: 3q21.1.
Variant type: Microsatellite.
Coding change: c.2731TCC[4] on transcript NM_000388.4 (MANE Select); four copies in a row of the 3-base unit TCC starting at c.2731; the reference has three copies in a row; one copy, 3 bases duplicated.
Protein change: p.Ser913_Ile914insSer.
Molecular consequence: inframe insertion.
Genome position (GRCh38, 1-based): chr3:122,284,691-122,284,693, TCC duplicated; duplicating any 3 consecutive bases within chr3:122,284,683-122,284,693 gives the same sequence; the position shown is the placement nearest the transcript's 3' end. VCF-style (leftmost placement, unchanged base first): chr3-122284682-C-CCCT. GRCh37 (hg19) VCF-style: chr3-122003529-C-CCCT.
Other names: c.2761TCC[4], p.Ser923_Ile924insSer (NM_001178065.2).
Identifiers: ClinVar variation 2021395 (VCV002021395.4), dbSNP rs2473281668, ClinGen allele CA2580616518.
Genomic context (GRCh38, chr3:122,284,682, plus strand): 5'-CGCCGCAGCAACGTCTCCCGCAAGCGGTCCAGCAGCCTTGGAGGCTCCACGGGATCCACC[C>CCCT]CCTCCTCCTCCATCAGCAGCAAGAGCAACAGCGAAGACCCATTCCCACAGCCCGAGAGGC-3'